The following is an entry in ClinVar:

NM_001103.4(ACTN2):c.67G>C (p.Glu23Gln)

Gene: ACTN2 (actinin alpha 2; plus strand). Cytogenetic location: 1q43.
Variant type: single nucleotide variant.
Coding change: c.67G>C on transcript NM_001103.4 (MANE Select); coding-DNA position 67, G replaced by C.
Protein change: p.Glu23Gln; replaces glutamic acid 23 with glutamine.
Molecular consequence: missense variant. On other transcripts: 5 prime UTR variant (1).
Genome position (GRCh38, 1-based): chr1:236,686,740, G>C. VCF-style: chr1-236686740-G-C. GRCh37 (hg19) VCF-style: chr1-236850040-G-C.
Other names: c.67G>C, p.Glu23Gln (NM_001278343.2); c.-755G>C (NM_001278344.2); c.-880G>C (NM_001412150.1); short protein forms E23Q.
Identifiers: ClinVar variation 2125333 (VCV002125333.6), dbSNP rs1229509268, ClinGen allele CA345358263.

ClinVar aggregate classification (germline): Uncertain significance. Review status: criteria provided, multiple submitters, no conflicts (2 of 4 stars). 2 submissions from 2 submitters: Uncertain significance (2). Last evaluated 2025-12-20.

Conditions:
Primary familial hypertrophic cardiomyopathy (HCM). Identifiers: Orphanet 99739, MedGen C0949658, MeSH D024741, MONDO:0024573. Inheritance: Various modes of inheritance.
Dilated cardiomyopathy 1AA (CMD1AA). Also called: CARDIOMYOPATHY, DILATED, 1AA, WITH OR WITHOUT LEFT VENTRICULAR NONCOMPACTION; CARDIOMYOPATHY, FAMILIAL HYPERTROPHIC, 23, WITH OR WITHOUT LEFT VENTRICULAR NONCOMPACTION; Cardiomyopathy, dilated, 1AA, with or without LVNC. Identifiers: Orphanet 154, MedGen C2677338, MONDO:0012808, OMIM 612158.
ACTN2-related cardiac and skeletal myopathy. Identifiers: MedGen CN379592, MONDO:0700349.

Submissions (2):

Labcorp Genetics (formerly Invitae), Labcorp
Classification: Uncertain significance for Primary familial hypertrophic cardiomyopathy; Dilated cardiomyopathy 1AA. Last evaluated: 2025-12-20. Review status: criteria provided, single submitter. Criteria: Invitae Variant Classification Sherloc (09022015). Collection method: clinical testing. Allele origin: germline.
Comment: This sequence change replaces glutamic acid, which is acidic and polar, with glutamine, which is neutral and polar, at codon 23 of the ACTN2 protein (p.Glu23Gln). This variant is not present in population databases (gnomAD no frequency). This variant has not been reported in the literature in individuals affected with ACTN2-related conditions. ClinVar contains an entry for this variant (Variation ID: 2125333). Invitae Evidence Modeling of protein sequence and biophysical properties (such as structural, functional, and spatial information, amino acid conservation, physicochemical variation, residue mobility, and thermodynamic stability) indicates that this missense variant is not expected to disrupt ACTN2 protein function with a negative predictive value of 95%. In summary, the available evidence is currently insufficient to determine the role of this variant in disease. Therefore, it has been classified as a Variant of Uncertain Significance.

Dasa
Classification: Uncertain significance for ACTN2-related cardiac and skeletal myopathy. Last evaluated: 2025-08-11. Review status: criteria provided, single submitter. Criteria: DASA Assertion Criteria. Collection method: clinical testing. Allele origin: germline.
Comment: NM_001103.4(ACTN2):c.67G>C (p.Glu23Gln) is a missense variant that results in the substitution of glutamic acid with glutamine. This variant is absent from population databases. The currently available literature and clinical evidence are not sufficient to establish a definitive association between this variant and the reported condition. Therefore, this variant is classified as a variant of uncertain significance.